The following is an entry in ClinVar:

ClinVar aggregate classification (germline): Uncertain significance (1 of 4 stars; one submission).

Allele frequency attached by ClinVar (database versions not stated): TOPMed below 0.00001; ExAC 0.00001; gnomAD exomes 0.00001.
gnomAD v4.1: 4 of 1,614,116 alleles (0.00025%); highest among the groups gnomAD compares: Middle Eastern, 0.016%; no homozygotes.

Submission:

CeGaT Center for Human Genetics Tuebingen
Classification: Uncertain significance. Last evaluated: 2022-06-01. Review status: criteria provided, single submitter. Criteria: CeGaT Center For Human Genetics Tuebingen Variant Classification Criteria Version 2. Collection method: clinical testing. Allele origin: germline. Affected: yes. Observed: 1 variant allele.
Comment: SOX5: PM2:Supporting, PP2, PP3

NM_006940.6(SOX5):c.2252G>T (p.Gly751Val)

Gene: SOX5 (SRY-box transcription factor 5; minus strand). Cytogenetic location: 12p12.1.
Variant type: single nucleotide variant.
Coding change: c.2252G>T on transcript NM_006940.6 (MANE Select); coding-DNA position 2252, G replaced by T.
Protein change: p.Gly751Val; replaces glycine 751 with valine.
Molecular consequence: missense variant.
Genome position (GRCh38, 1-based): chr12:23,534,259, C>A on the plus strand (G>T on the coding strand, the complement: SOX5 is on the minus strand). VCF-style: chr12-23534259-C-A. GRCh37 (hg19) VCF-style: chr12-23687193-C-A.
Other names: c.1889G>T, p.Gly630Val (NM_001261414.3); c.2222G>T, p.Gly741Val (NM_001261415.3); c.2147G>T, p.Gly716Val (NM_001330785.2); c.2213G>T, p.Gly738Val (NM_152989.5); c.1094G>T, p.Gly365Val (NM_178010.4); short protein forms G365V, G630V, G716V, G738V, G741V, G751V.
Identifiers: ClinVar variation 2642784 (VCV002642784.24), dbSNP rs769351289, ClinGen allele CA6483886.
Genomic context (GRCh38, chr12:23,534,259, plus strand): 5'-CAACAATCTTTTGACCCTTATCAGTTGGCTTGTCCTGCAATATGGTTTTCACTGTCACTC[C>A]CATAATCTACATCTGGATCATCCTCTTCCTCGTCGTACTCATCATAAATTTCTCCATTGA-3'
Protein context (NP_008871.3, residues 741-761): EEEDDPDVDY[Gly751Val]SDSENHIAGQ